The following is an entry in ClinVar:

NC_000016.10:g.(?_68828164)_(68828314_?)del

Gene: CDH1 (cadherin 1; plus strand). Cytogenetic location: 16q22.1.
Variant type: Deletion.
Identifiers: ClinVar variation 831505 (VCV000831505.6).

ClinVar aggregate classification (germline): Pathogenic (1 of 4 stars; one submission).

Conditions:
Hereditary diffuse gastric adenocarcinoma (HDGC). Also called: DIFFUSE GASTRIC AND LOBULAR BREAST CANCER SYNDROME. Identifiers: Orphanet 26106, MedGen C1708349, MONDO:0007648, OMIM 137215.

Submission:

Labcorp Genetics (formerly Invitae), Labcorp
Classification: Pathogenic for Hereditary diffuse gastric adenocarcinoma. Last evaluated: 2020-07-02. Review status: criteria provided, single submitter. Criteria: Invitae Variant Classification Sherloc (09022015). Collection method: clinical testing. Allele origin: germline.
Comment: This variant is an out-of-frame deletion of the genomic region encompassing exon 14 of the CDH1 gene. This is expected to create a premature translational stop signal and result in an absent or disrupted protein product. This variant has not been reported in the literature in individuals with CDH1-related conditions. Loss-of-function variants in CDH1 are known to be pathogenic (PMID: 15235021, 20373070). For these reasons, this variant has been classified as Pathogenic.

Literature cited by the submitters: PubMed 15235021; PubMed 20373070.